The following is an entry in ClinVar:

ClinVar aggregate classification (germline): Conflicting classifications of pathogenicity. Review status: criteria provided, conflicting classifications (1 of 4 stars). 6 submissions from 6 submitters: Uncertain significance (4); Likely benign (1). 1 of the submissions does not count toward it. Last evaluated 2025-03-15.

Conditions:
Hereditary cancer-predisposing syndrome. Also called: Neoplastic Syndromes, Hereditary; Tumor predisposition; Hereditary neoplastic syndrome; Hereditary Cancer Syndrome. Identifiers: Orphanet 140162, MedGen C0027672, MeSH D009386, MONDO:0015356.
Hereditary breast ovarian cancer syndrome. Also called: Hereditary breast and ovarian cancer syndrome; Hereditary breast and ovarian cancer; Hereditary breast and ovarian cancer syndrome (HBOC); Breast and ovarian cancer; Hereditary breast and/or ovarian cancer syndrome; BRCA1- and BRCA2-Associated Hereditary Breast and Ovarian Cancer. Identifiers: Orphanet 145, MedGen C0677776, MeSH D061325, MONDO:0003582. Disease mechanism: loss of function.
Breast-ovarian cancer, familial, susceptibility to, 2 (BROVCA2). Also called: BRCA2 Hereditary Breast and Ovarian Cancer. Identifiers: Orphanet 145, MedGen C2675520, MONDO:0012933, OMIM 612555. Disease mechanism: loss of function.

Allele frequency attached by ClinVar (database versions not stated): gnomAD exomes 0.00001; ExAC 0.00002.
gnomAD v4.1: 12 of 1,603,576 alleles (0.00075%); highest among the groups gnomAD compares: South Asian, 0.0011%; no homozygotes.

Submissions (6):

Labcorp Genetics (formerly Invitae), Labcorp
Classification: Uncertain significance for Hereditary breast ovarian cancer syndrome. Last evaluated: 2025-03-15. Review status: criteria provided, single submitter. Criteria: Invitae Variant Classification Sherloc (09022015). Collection method: clinical testing. Allele origin: germline.
Comment: This sequence change replaces glycine, which is neutral and non-polar, with valine, which is neutral and non-polar, at codon 173 of the BRCA2 protein (p.Gly173Val). This variant is present in population databases (rs28897702, gnomAD 0.003%). This missense change has been observed in individual(s) with breast cancer (PMID: 25682074, 28205045). ClinVar contains an entry for this variant (Variation ID: 51810). An algorithm developed to predict the effect of missense changes on protein structure and function (PolyPhen-2) suggests that this variant is likely to be disruptive. Experimental studies have shown that this missense change does not substantially affect BRCA2 function (PMID: 21671020). In summary, the available evidence is currently insufficient to determine the role of this variant in disease. Therefore, it has been classified as a Variant of Uncertain Significance.

Center for Genomic Medicine, Rigshospitalet, Copenhagen University Hospital
Classification: Likely benign. Last evaluated: 2025-03-04. Review status: criteria provided, single submitter. Criteria: ACMG Guidelines, 2015. Collection method: clinical testing. Allele origin: germline.

Molecular Diagnostics Laboratory, Catalan Institute of Oncology
Classification: Uncertain significance for Hereditary cancer-predisposing syndrome. Last evaluated: 2024-10-06. Review status: criteria provided, single submitter. Criteria: ClinGen BRCA1BRCA2 ACMG Specifications BRCA2 V1.0.0. Collection method: clinical testing. Allele origin: germline.
Comment: c.518G>T, located in exon 7 of the BRCA2 gene, is predicted to result in the substitution of Glycine by Valine at codon 173,p.(Gly173Val). This position is outside a (potentially) clinically important functional domain. The SpliceAI algorithm predicts no significant impact on splicing; however, minigene splicing studies have reported conflicting results. One study observed an increase in exon 7 skipping (PMID: 20215541), while another, using a different experimental design, found an exon 7 skipping proportion comparable to that of the wild-type control (PMID: 23983145). Additionally, a complementation assay using cDNA plasmid transfection demonstrated that this missense change has a neutral impact on homologous recombination repair (PMID: 21671020). c.518G>T is found in 3/268204 alleles at a frequency of 0.001% in the gnomAD v2.1.1 database, non-cancer dataset. This variant has been reported in the ClinVar database (1x likely benign, 4x uncertain significance) and in the LOVD database (3x NA, 1x uncertain significance) but it remains "not yet reviewed" in the BRCA Exchange database. Based on currently available information, the variant c.518G>T should be considered an uncertain significance variant according to ClinGen-BRCAs Guidelines version 1.0.0.

Ambry Genetics
Classification: Uncertain significance for Hereditary cancer-predisposing syndrome. Last evaluated: 2024-05-07. Review status: criteria provided, single submitter. Criteria: Ambry Variant Classification Scheme 2023. Collection method: clinical testing. Allele origin: germline.
Comment: The p.G173V variant (also known as c.518G>T), located in coding exon 6 of the BRCA2 gene, results from a G to T substitution at nucleotide position 518. The glycine at codon 173 is replaced by valine, an amino acid with dissimilar properties. This alteration was identified in a cohort of high-risk breast and ovarian cancer patients (Park B et al. Breast Cancer Res. Treat., 2017 May;163:139-150). A functional assay shows that this alteration behaved like wildtype in a spontaneous homologous repair assay, however, the assay was not robust enough to predict clinical relevance of tested variants (Balia C et al. Breast Cancer Res. Treat., 2011 Oct;129:1001-9). In silico splice site analysis predicts that this alteration will not have any significant effect on splicing; however, the literature harbors conflicting results in terms of the generation of abnormal transcripts from a splicing minigene assay with one paper reporting exon 7 skipping as a minor isoform while another reports no abnormal transcripts (Sanz DJ et al. Clin. Cancer Res., 2010 Mar;16:1957-67; Di Giacomo D et al. Hum. Mutat., 2013 Nov;34:1547-57). This amino acid position is conserved on limited sequence alignment. In addition, this alteration is predicted to be tolerated by in silico analysis. Based on the available evidence, the clinical significance of this variant remains unclear.

Color Diagnostics, LLC DBA Color Health
Classification: Uncertain significance for Hereditary cancer-predisposing syndrome. Last evaluated: 2020-07-28. Review status: criteria provided, single submitter. Criteria: ACMG Guidelines, 2015. Collection method: clinical testing. Allele origin: germline.
Comment: This missense variant replaces glycine with valine at codon 173 of the BRCA2 protein. Computational prediction suggests that this variant may not impact protein structure and function (internally defined REVEL score threshold <= 0.5, PMID: 27666373). Functional RNA studies using minigene splicing assays reported conflicted findings of a partial splicing defect and no detectable defect (PMID: 20215541, 23983145). This variant has been reported in an individual with suspected hereditary breast cancer (PMID: 28205045) and another individual affected with triple-negative breast cancer (PMID: 25682074). This variant has been identified in 3/251340 chromosomes in the general population by the Genome Aggregation Database (gnomAD). The available evidence is insufficient to determine the role of this variant in disease conclusively. Therefore, this variant is classified as a Variant of Uncertain Significance.

Breast Cancer Information Core (BIC) (BRCA2)
Classification: Uncertain significance for Breast-ovarian cancer, familial 2. Last evaluated: 2002-05-29. Review status: no assertion criteria provided. Collection method: clinical testing. Allele origin: germline. Affected: yes. Observed: 1 variant allele. Not counted in ClinVar's aggregate classification.

Literature cited by the submitters: PubMed 25682074 (cited by Labcorp Genetics (formerly Invitae), Labcorp); PubMed 28205045 (cited by Labcorp Genetics (formerly Invitae), Labcorp and Ambry Genetics); PubMed 21671020 (cited by Labcorp Genetics (formerly Invitae), Labcorp and Ambry Genetics); PubMed 20215541 (cited by Ambry Genetics); PubMed 22962691 (cited by Ambry Genetics); PubMed 23983145 (cited by Ambry Genetics).

NM_000059.4(BRCA2):c.518G>T (p.Gly173Val)

Gene: BRCA2 (BRCA2 DNA repair associated; plus strand). Cytogenetic location: 13q13.1.
Variant type: single nucleotide variant.
Coding change: c.518G>T on transcript NM_000059.4 (MANE Select); coding-DNA position 518, G replaced by T.
Protein change: p.Gly173Val; replaces glycine 173 with valine.
Molecular consequence: missense variant.
Genome position (GRCh38, 1-based): chr13:32,326,500, G>T. VCF-style: chr13-32326500-G-T. GRCh37 (hg19) VCF-style: chr13-32900637-G-T.
Other names: short protein forms G173V.
Identifiers: ClinVar variation 51810 (VCV000051810.18), dbSNP rs28897702, ClinGen allele CA021632.